The following is an entry in ClinVar:

ClinVar aggregate classification (germline): Uncertain significance. Review status: criteria provided, multiple submitters, no conflicts (2 of 4 stars). 2 submissions from 2 submitters: Uncertain significance (2). Last evaluated 2024-04-09.

Allele frequency attached by ClinVar (database versions not stated): TOPMed below 0.00001.
gnomAD v4.1: 2 of 1,614,170 alleles (0.00012%); highest among the groups gnomAD compares: Non-Finnish European, 0.00017%; no homozygotes.

Submissions (2):

Ambry Genetics
Classification: Uncertain significance. Last evaluated: 2024-04-09. Review status: criteria provided, single submitter. Criteria: Ambry Variant Classification Scheme 2023. Collection method: clinical testing. Allele origin: germline.

Labcorp Genetics (formerly Invitae), Labcorp
Classification: Uncertain significance. Last evaluated: 2022-02-23. Review status: criteria provided, single submitter. Criteria: Invitae Variant Classification Sherloc (09022015). Collection method: clinical testing. Allele origin: germline.
Comment: In summary, the available evidence is currently insufficient to determine the role of this variant in disease. Therefore, it has been classified as a Variant of Uncertain Significance. Algorithms developed to predict the effect of missense changes on protein structure and function (SIFT, PolyPhen-2, Align-GVGD) all suggest that this variant is likely to be disruptive. This variant has not been reported in the literature in individuals affected with ASRGL1-related conditions. This variant is not present in population databases (gnomAD no frequency). This sequence change replaces leucine, which is neutral and non-polar, with glutamine, which is neutral and polar, at codon 87 of the ASRGL1 protein (p.Leu87Gln).

NM_001083926.2(ASRGL1):c.260T>A (p.Leu87Gln)

Gene: ASRGL1 (asparaginase and isoaspartyl peptidase 1; plus strand). Cytogenetic location: 11q12.3.
Variant type: single nucleotide variant.
Coding change: c.260T>A on transcript NM_001083926.2 (MANE Select); coding-DNA position 260, T replaced by A.
Protein change: p.Leu87Gln; replaces leucine 87 with glutamine.
Molecular consequence: missense variant.
Genome position (GRCh38, 1-based): chr11:62,356,394, T>A. VCF-style: chr11-62356394-T-A. GRCh37 (hg19) VCF-style: chr11-62123866-T-A.
Other names: c.260T>A, p.Leu87Gln (NM_025080.4); c.260T>A (NM_001083926.1); short protein forms L87Q.
Identifiers: ClinVar variation 1960680 (VCV001960680.6), dbSNP rs1946297115, ClinGen allele CA380865333.